The following is an entry in ClinVar:

NM_001136139.4(TCF3):c.1795C>T (p.Leu599=)

Gene: TCF3 (transcription factor 3; minus strand). Cytogenetic location: 19p13.3.
Variant type: single nucleotide variant.
Coding change: c.1795C>T on transcript NM_001136139.4 (MANE Plus Clinical); coding-DNA position 1795, C replaced by T.
Protein change: p.Leu599=; no amino-acid change (leucine 599 retained).
Molecular consequence: synonymous variant. On other transcripts: intron variant (2).
Genome position (GRCh38, 1-based): chr19:1,612,225, G>A on the plus strand (C>T on the coding strand, the complement: TCF3 is on the minus strand). VCF-style: chr19-1612225-G-A. GRCh37 (hg19) VCF-style: chr19-1612224-G-A.
Other names: c.1795C>T (NM_001351779.1); c.1795C>T, p.Leu599= (NM_001351779.2); c.1820-376C>T (NM_001351778.2); c.1823-376C>T (NM_003200.5).
Identifiers: ClinVar variation 1635648 (VCV001635648.12), dbSNP rs373710497, ClinGen allele CA9049555.

ClinVar aggregate classification (germline): Likely benign. Review status: criteria provided, multiple submitters, no conflicts (2 of 4 stars). 4 submissions from 4 submitters: Likely benign (3). 1 of the submissions does not count toward it. Last evaluated 2026-01-06.

Conditions:
TCF3-related disorder. Also called: TCF3-related condition.

Allele frequency attached by ClinVar (database versions not stated): gnomAD exomes 0.00004 and 0.00012; ExAC 0.00014; 1000 Genomes Project 0.00060; gnomAD 0.00064 and 0.00070; TOPMed 0.00064; ESP Exome Variant Server 0.00068; 1000 Genomes Project 30x 0.00078.
gnomAD v4.1: 164 of 1,591,612 alleles (0.01%); highest among the groups gnomAD compares: African/African-American, 0.2%; no homozygotes.

Submissions (4):

Labcorp Genetics (formerly Invitae), Labcorp
Classification: Likely benign. Last evaluated: 2026-01-06. Review status: criteria provided, single submitter. Criteria: Invitae Variant Classification Sherloc (09022015). Collection method: clinical testing. Allele origin: germline.

Blueprint Genetics
Classification: Likely benign. Last evaluated: 2023-09-14. Review status: criteria provided, single submitter. Criteria: ACMG Guidelines, 2015. Collection method: clinical testing. Allele origin: germline.

Breakthrough Genomics
Classification: Likely benign. Review status: criteria provided, single submitter. Criteria: ACMG Guidelines, 2015. Collection method: not provided. Allele origin: germline. Inheritance: Autosomal recessive inheritance. Affected: yes.

PreventionGenetics, part of Exact Sciences
Classification: Likely benign for TCF3-related condition. Last evaluated: 2019-06-10. Review status: no assertion criteria provided. Collection method: clinical testing. Allele origin: germline. Not counted in ClinVar's aggregate classification.
Comment: This variant is classified as likely benign based on ACMG/AMP sequence variant interpretation guidelines (Richards et al. 2015 PMID: 25741868, with internal and published modifications).